The following is an entry in ClinVar:

ClinVar aggregate classification (germline): Uncertain significance (1 of 4 stars; one submission).

Conditions:
Severe combined immunodeficiency due to DNA-PKcs deficiency. Also called: IMMUNODEFICIENCY 26 WITH NEUROLOGIC ABNORMALITIES; Immunodeficiency 26 with or without neurologic abnormalities. Identifiers: Orphanet 317425, MedGen C4014833, MONDO:0014423, OMIM 615966.

gnomAD v4.1: 5 of 1,544,998 alleles (0.00032%); highest among the groups gnomAD compares: Non-Finnish European, 0.00044%; no homozygotes.

Submission:

Labcorp Genetics (formerly Invitae), Labcorp
Classification: Uncertain significance for Severe combined immunodeficiency due to DNA-PKcs deficiency. Last evaluated: 2024-10-24. Review status: criteria provided, single submitter. Criteria: Invitae Variant Classification Sherloc (09022015). Collection method: clinical testing. Allele origin: germline.
Comment: This sequence change replaces arginine, which is basic and polar, with leucine, which is neutral and non-polar, at codon 1136 of the PRKDC protein (p.Arg1136Leu). This variant is not present in population databases (gnomAD no frequency). This variant has not been reported in the literature in individuals affected with PRKDC-related conditions. ClinVar contains an entry for this variant (Variation ID: 1899855). Invitae Evidence Modeling of protein sequence and biophysical properties (such as structural, functional, and spatial information, amino acid conservation, physicochemical variation, residue mobility, and thermodynamic stability) indicates that this missense variant is expected to disrupt PRKDC protein function with a positive predictive value of 80%. In summary, the available evidence is currently insufficient to determine the role of this variant in disease. Therefore, it has been classified as a Variant of Uncertain Significance.

NM_006904.7(PRKDC):c.3407G>T (p.Arg1136Leu)

Gene: PRKDC (protein kinase, DNA-activated, catalytic subunit; minus strand). Cytogenetic location: 8q11.21.
Variant type: single nucleotide variant.
Coding change: c.3407G>T on transcript NM_006904.7 (MANE Select); coding-DNA position 3407, G replaced by T.
Protein change: p.Arg1136Leu; replaces arginine 1136 with leucine.
Molecular consequence: missense variant.
Genome position (GRCh38, 1-based): chr8:47,898,527, C>A on the plus strand (G>T on the coding strand, the complement: PRKDC is on the minus strand). VCF-style: chr8-47898527-C-A. GRCh37 (hg19) VCF-style: chr8-48811087-C-A.
Other names: c.3407G>T, p.Arg1136Leu (NM_001081640.2); short protein forms R1136L.
Identifiers: ClinVar variation 1899855 (VCV001899855.5), dbSNP rs781401034, ClinGen allele CA371154632.